The following is an entry in ClinVar:

ClinVar aggregate classification (germline): Likely pathogenic (1 of 4 stars; one submission).

Submission:

Labcorp Genetics (formerly Invitae), Labcorp
Classification: Likely pathogenic. Last evaluated: 2019-10-03. Review status: criteria provided, single submitter. Criteria: Invitae Variant Classification Sherloc (09022015). Collection method: clinical testing. Allele origin: germline.
Comment: This variant results in a copy number gain of the genomic region encompassing the full coding sequence of the NEXMIF gene. The boundaries of this event are unknown as they extend beyond the assayed region for this gene and therefore may encompass additional genes. As the precise location of this event is unknown, it may be in tandem or it may be located elsewhere in the genome. A similar copy number gain of the entire coding sequence has been reported to segregate in a family affected with intellectual disability and autism (PMID: 25394356). Experimental studies have shown that this variant disrupts mRNA expression (PMID: 25394356). In summary, the currently available evidence indicates that the variant is pathogenic, but additional data are needed to prove that conclusively. Therefore, this variant has been classified as Likely Pathogenic.

Literature cited by the submitters: PubMed 25394356.

NC_000023.11:g.(?_74739385)_(74745670_?)dup

Gene: NEXMIF (neurite extension and migration factor; minus strand). Cytogenetic location: Xq13.3.
Variant type: Duplication.
Identifiers: ClinVar variation 831229 (VCV000831229.1).